The following is an entry in ClinVar:

NM_182961.4(SYNE1):c.16534A>G (p.Ile5512Val)

Gene: SYNE1 (spectrin repeat containing nuclear envelope protein 1; minus strand). Cytogenetic location: 6q25.2.
Variant type: single nucleotide variant.
Coding change: c.16534A>G on transcript NM_182961.4 (MANE Select); coding-DNA position 16534, A replaced by G.
Protein change: p.Ile5512Val; replaces isoleucine 5512 with valine.
Molecular consequence: missense variant.
Genome position (GRCh38, 1-based): chr6:152,318,119, T>C on the plus strand (A>G on the coding strand, the complement: SYNE1 is on the minus strand). VCF-style: chr6-152318119-T-C. GRCh37 (hg19) VCF-style: chr6-152639254-T-C.
Other names: c.16321A>G, p.Ile5441Val (NM_033071.5); short protein forms I5441V, I5512V.
Identifiers: ClinVar variation 1431225 (VCV001431225.8), dbSNP rs2095781749, ClinGen allele CA366111383.

ClinVar aggregate classification (germline): Uncertain significance (1 of 4 stars; one submission).

Conditions:
Emery-Dreifuss muscular dystrophy 4, autosomal dominant (EDMD4). Also called: EMERY-DREIFUSS MUSCULAR DYSTROPHY 4 WITH VARIABLE FEATURES. Identifiers: Orphanet 261, MedGen C2751807, MONDO:0013071, OMIM 612998.
Autosomal recessive ataxia, Beauce type. Also called: Spinocerebellar ataxia, autosomal recessive 8; ATAXIA, RECESSIVE, OF BEAUCE; SYNE1 Deficiency; SYNE1-Related Autosomal Recessive Cerebellar Ataxia. Identifiers: Orphanet 88644, MedGen C1853116, MONDO:0012549, OMIM 610743.

Allele frequency attached by ClinVar (database versions not stated): gnomAD exomes below 0.00001.
gnomAD v4.1: 7 of 1,614,244 alleles (0.00043%); highest among the groups gnomAD compares: Non-Finnish European, 0.00059%; no homozygotes.

Submission:

Labcorp Genetics (formerly Invitae), Labcorp
Classification: Uncertain significance for Emery-Dreifuss muscular dystrophy 4, autosomal dominant; Autosomal recessive ataxia, Beauce type. Last evaluated: 2022-07-11. Review status: criteria provided, single submitter. Criteria: Invitae Variant Classification Sherloc (09022015). Collection method: clinical testing. Allele origin: germline.
Comment: ClinVar contains an entry for this variant (Variation ID: 1431225). This sequence change replaces isoleucine, which is neutral and non-polar, with valine, which is neutral and non-polar, at codon 5441 of the SYNE1 protein (p.Ile5441Val). This variant is not present in population databases (gnomAD no frequency). This variant has not been reported in the literature in individuals affected with SYNE1-related conditions. Algorithms developed to predict the effect of missense changes on protein structure and function output the following: SIFT: "Deleterious"; PolyPhen-2: "Benign"; Align-GVGD: "Class C25". The valine amino acid residue is found in multiple mammalian species, which suggests that this missense change does not adversely affect protein function. In summary, the available evidence is currently insufficient to determine the role of this variant in disease. Therefore, it has been classified as a Variant of Uncertain Significance.